The following is an entry in ClinVar:

ClinVar aggregate classification (germline): Likely benign. Review status: criteria provided, multiple submitters, no conflicts (2 of 4 stars). 2 submissions from 2 submitters: Likely benign (2). Last evaluated 2026-08-01.

gnomAD v4.1: 250 of 1,537,104 alleles (0.016%); highest among the groups gnomAD compares: Middle Eastern, 0.017%; no homozygotes.

Submissions (2):

CeGaT Center for Human Genetics Tuebingen
Classification: Likely benign. Last evaluated: 2026-08-01. Review status: criteria provided, single submitter. Criteria: CeGaT Center For Human Genetics Tuebingen Variant Classification Criteria Version 2. Collection method: clinical testing. Allele origin: germline. Affected: yes. Observed: 1 variant allele.
Comment: CAPN15: BP4, BP7

Blueprint Genetics
Classification: Likely benign. Last evaluated: 2024-09-20. Review status: criteria provided, single submitter. Criteria: ACMG Guidelines, 2015. Collection method: clinical testing. Allele origin: germline.

NM_005632.3(CAPN15):c.2763G>A (p.Pro921=)

Gene: CAPN15 (calpain 15; plus strand). Cytogenetic location: 16p13.3.
Variant type: single nucleotide variant.
Coding change: c.2763G>A on transcript NM_005632.3 (MANE Select); coding-DNA position 2763, G replaced by A.
Protein change: p.Pro921=; no amino-acid change (proline 921 retained).
Molecular consequence: synonymous variant.
Genome position (GRCh38, 1-based): chr16:552,630, G>A. VCF-style: chr16-552630-G-A. GRCh37 (hg19) VCF-style: chr16-602630-G-A.
Identifiers: ClinVar variation 4926949 (VCV004926949.2).